The following is an entry in ClinVar:

NM_006846.4(SPINK5):c.1344G>A (p.Arg448=)

Gene: SPINK5 (serine peptidase inhibitor Kazal type 5; plus strand). Cytogenetic location: 5q32.
Variant type: single nucleotide variant.
Coding change: c.1344G>A on transcript NM_006846.4 (MANE Select); coding-DNA position 1344, G replaced by A.
Protein change: p.Arg448=; no amino-acid change (arginine 448 retained).
Molecular consequence: synonymous variant.
Genome position (GRCh38, 1-based): chr5:148,101,822, G>A. VCF-style: chr5-148101822-G-A. GRCh37 (hg19) VCF-style: chr5-147481385-G-A.
Other names: p.Arg448=; c.1344G>A, p.Arg448= (NM_001127698.2, NM_001127699.2).
Identifiers: ClinVar variation 260045 (VCV000260045.18), dbSNP rs17107741, ClinGen allele CA3495570.

ClinVar aggregate classification (germline): Benign. Review status: criteria provided, multiple submitters, no conflicts (2 of 4 stars). 6 submissions from 6 submitters: Benign (6). Last evaluated 2026-02-02.

Conditions:
Ichthyosis linearis circumflexa. Identifiers: MedGen C0265962, MONDO:0043106, HP:0025810.
Netherton syndrome (NETH). Also called: NETHERTON DISEASE; ERYTHRODERMA, ICHTHYOSIFORM, WITH HYPOTRICHOSIS AND HYPER-IgE; COMEL-NETHERTON SYNDROME. Identifiers: Orphanet 634, MedGen C5574950, MONDO:0009735, OMIM 256500.

Allele frequency attached by ClinVar (database versions not stated): gnomAD 0.05038 and 0.05403; ESP Exome Variant Server 0.05391; TOPMed 0.05794; 1000 Genomes Project 0.05371; gnomAD exomes 0.01287 and 0.00485; 1000 Genomes Project 30x 0.05762; ExAC 0.01555.
gnomAD v4.1: 15,103 of 1,613,694 alleles (0.94%); highest among the groups gnomAD compares: African/African-American, 17%; 1,194 homozygotes.

Submissions (6):

Labcorp Genetics (formerly Invitae), Labcorp
Classification: Benign for Ichthyosis linearis circumflexa. Last evaluated: 2026-02-02. Review status: criteria provided, single submitter. Criteria: Invitae Variant Classification Sherloc (09022015). Collection method: clinical testing. Allele origin: germline.

Women's Health and Genetics/Laboratory Corporation of America, LabCorp
Classification: Benign. Last evaluated: 2026-01-21. Review status: criteria provided, single submitter. Criteria: LabCorp Variant Classification Summary - May 2015. Collection method: clinical testing. Allele origin: germline.

Mayo Clinic Laboratories, Mayo Clinic
Classification: Benign. Last evaluated: 2021-07-02. Review status: criteria provided, single submitter. Criteria: ACMG Guidelines, 2015. Collection method: clinical testing. Allele origin: germline. Observed: 6 variant alleles.

Illumina Laboratory Services, Illumina
Classification: Benign for Netherton syndrome. Last evaluated: 2018-01-13. Review status: criteria provided, single submitter. Criteria: ICSL Variant Classification Criteria 13 December 2019. Collection method: clinical testing. Allele origin: germline.
Comment: This variant was observed in the ICSL laboratory as part of a predisposition screen in an ostensibly healthy population. It had not been previously curated by ICSL or reported in the Human Gene Mutation Database (HGMD: prior to June 1st, 2018), and was therefore a candidate for classification through an automated scoring system. Utilizing variant allele frequency, disease prevalence and penetrance estimates, and inheritance mode, an automated score was calculated to assess if this variant is too frequent to cause the disease. Based on the score and internal cut-off values, a variant classified as benign is not then subjected to further curation. The score for this variant resulted in a classification of benign for this disease.

GeneDx
Classification: Benign. Last evaluated: 2015-03-03. Review status: criteria provided, single submitter. Criteria: GeneDx Variant Classification Process June 2021. Collection method: clinical testing. Allele origin: germline. Affected: yes.

PreventionGenetics, part of Exact Sciences
Classification: Benign. Review status: criteria provided, single submitter. Criteria: ACMG Guidelines, 2015. Collection method: clinical testing. Allele origin: germline.